The following is an entry in ClinVar:

NM_002295.6(RPSA):c.547C>G (p.Leu183Val)

Gene: RPSA (ribosomal protein SA; plus strand). Cytogenetic location: 3p22.1.
Variant type: single nucleotide variant.
Coding change: c.547C>G on transcript NM_002295.6 (MANE Select); coding-DNA position 547, C replaced by G.
Protein change: p.Leu183Val; replaces leucine 183 with valine.
Molecular consequence: missense variant.
Genome position (GRCh38, 1-based): chr3:39,411,697, C>G. VCF-style: chr3-39411697-C-G. GRCh37 (hg19) VCF-style: chr3-39453188-C-G.
Other names: c.562C>G, p.Leu188Val (NM_001304288.2); short protein forms L183V, L188V.
Identifiers: ClinVar variation 4742190 (VCV004742190.1).

ClinVar aggregate classification (germline): Uncertain significance (1 of 4 stars; one submission).

Submission:

Labcorp Genetics (formerly Invitae), Labcorp
Classification: Uncertain significance. Last evaluated: 2025-02-23. Review status: criteria provided, single submitter. Criteria: Invitae Variant Classification Sherloc (09022015). Collection method: clinical testing. Allele origin: germline.
Comment: This sequence change replaces leucine, which is neutral and non-polar, with valine, which is neutral and non-polar, at codon 183 of the RPSA protein (p.Leu183Val). This variant is not present in population databases (gnomAD no frequency). This variant has not been reported in the literature in individuals affected with RPSA-related conditions. Invitae Evidence Modeling of protein sequence and biophysical properties (such as structural, functional, and spatial information, amino acid conservation, physicochemical variation, residue mobility, and thermodynamic stability) indicates that this missense variant is expected to disrupt RPSA protein function with a positive predictive value of 80%. In summary, the available evidence is currently insufficient to determine the role of this variant in disease. Therefore, it has been classified as a Variant of Uncertain Significance.